The following is an entry in ClinVar:

NM_000426.4(LAMA2):c.2451-189C>T

Gene: LAMA2 (laminin subunit alpha 2; plus strand). Cytogenetic location: 6q22.33.
Variant type: single nucleotide variant.
Coding change: c.2451-189C>T on transcript NM_000426.4 (MANE Select); 189 bases into the intron before coding-DNA position 2451, C replaced by T.
Molecular consequence: intron variant.
Genome position (GRCh38, 1-based): chr6:129,279,872, C>T. VCF-style: chr6-129279872-C-T. GRCh37 (hg19) VCF-style: chr6-129601017-C-T.
Other names: c.2451-189C>T (NM_001079823.2).
Identifiers: ClinVar variation 668849 (VCV000668849.1), dbSNP rs148398501, ClinGen allele CA146885114.

ClinVar aggregate classification (germline): Likely benign (1 of 4 stars; one submission).

Allele frequency attached by ClinVar (database versions not stated): gnomAD 0.00600 and 0.00643; TOPMed 0.00695; 1000 Genomes Project 0.00759; 1000 Genomes Project 30x 0.00765.
gnomAD v4.1: 909 of 152,248 alleles (0.6%); highest among the groups gnomAD compares: African/African-American, 2%; 3 homozygotes.

Submission:

GeneDx
Classification: Likely benign. Last evaluated: 2018-06-16. Review status: criteria provided, single submitter. Criteria: GeneDx Variant Classification (06012015). Collection method: clinical testing. Allele origin: germline. Affected: yes.
Comment: This variant is considered likely benign or benign based on one or more of the following criteria: it is a conservative change, it occurs at a poorly conserved position in the protein, it is predicted to be benign by multiple in silico algorithms, and/or has population frequency not consistent with disease.